The following is an entry in ClinVar:

ClinVar aggregate classification (germline): Uncertain significance (1 of 4 stars; one submission).

Conditions:
Oligodontia-cancer predisposition syndrome. Also called: TOOTH AGENESIS-COLORECTAL CANCER SYNDROME. Identifiers: Orphanet 300576, MedGen C1837750, MONDO:0012075, OMIM 608615. Disease mechanism: loss of function.

Submission:

Labcorp Genetics (formerly Invitae), Labcorp
Classification: Uncertain significance for Oligodontia-cancer predisposition syndrome. Last evaluated: 2024-01-08. Review status: criteria provided, single submitter. Criteria: Invitae Variant Classification Sherloc (09022015). Collection method: clinical testing. Allele origin: germline.
Comment: This sequence change replaces proline, which is neutral and non-polar, with threonine, which is neutral and polar, at codon 609 of the AXIN2 protein (p.Pro609Thr). This variant is not present in population databases (gnomAD no frequency). This variant has not been reported in the literature in individuals affected with AXIN2-related conditions. An algorithm developed to predict the effect of missense changes on protein structure and function (PolyPhen-2) suggests that this variant is likely to be disruptive. In summary, the available evidence is currently insufficient to determine the role of this variant in disease. Therefore, it has been classified as a Variant of Uncertain Significance.

NM_004655.4(AXIN2):c.1825C>A (p.Pro609Thr)

Gene: AXIN2 (axin 2; minus strand). Cytogenetic location: 17q24.1.
Variant type: single nucleotide variant.
Coding change: c.1825C>A on transcript NM_004655.4 (MANE Select); coding-DNA position 1825, C replaced by A.
Protein change: p.Pro609Thr; replaces proline 609 with threonine.
Molecular consequence: missense variant. On other transcripts: intron variant (1).
Genome position (GRCh38, 1-based): chr17:65,536,951, G>T on the plus strand (C>A on the coding strand, the complement: AXIN2 is on the minus strand). VCF-style: chr17-65536951-G-T. GRCh37 (hg19) VCF-style: chr17-63533069-G-T.
Other names: c.1712+373C>A (NM_001363813.1); short protein forms P609T.
Identifiers: ClinVar variation 2885492 (VCV002885492.3), dbSNP rs1389567952, ClinGen allele CA400676552.